The following is an entry in ClinVar:

ClinVar aggregate classification (germline): Uncertain significance (1 of 4 stars; one submission).

Conditions:
KMT2C-related disorder. Also called: KMT2C-related condition; KMT2C-related disorders.

gnomAD v4.1: 3 of 1,614,206 alleles (0.00019%); highest among the groups gnomAD compares: Non-Finnish European, 0.00025%; no homozygotes.

Submission:

PreventionGenetics, part of Exact Sciences
Classification: Uncertain significance for KMT2C-related condition. Last evaluated: 2026-07-15. Review status: criteria provided, single submitter. Criteria: ACMG Guidelines, 2015. Collection method: clinical testing. Allele origin: germline.
Comment: The KMT2C c.11496A>G variant is not predicted to result in an amino acid change (p.=). To our knowledge, this variant has not been reported in the literature or in a large population database, indicating this variant is rare. This variant is predicted to impact splicing based on an available computational splicing program; however, the impact of this variant has not been functionally validated (SpliceAI, Jaganathan et al. 2019. PubMed ID: 30661751). At this time, the clinical significance of this variant is uncertain due to the absence of conclusive functional and genetic evidence.

NM_170606.3(KMT2C):c.11496A>G (p.Gly3832=)

Gene: KMT2C (lysine methyltransferase 2C; minus strand). Cytogenetic location: 7q36.1.
Variant type: single nucleotide variant.
Coding change: c.11496A>G on transcript NM_170606.3 (MANE Select); coding-DNA position 11496, A replaced by G.
Protein change: p.Gly3832=; no amino-acid change (glycine 3832 retained).
Molecular consequence: synonymous variant.
Genome position (GRCh38, 1-based): chr7:152,159,037, T>C on the plus strand (A>G on the coding strand, the complement: KMT2C is on the minus strand). VCF-style: chr7-152159037-T-C. GRCh37 (hg19) VCF-style: chr7-151856122-T-C.
Identifiers: ClinVar variation 4982354 (VCV004982354.1).